The following is an entry in ClinVar:

ClinVar aggregate classification (germline): Uncertain significance. Review status: criteria provided, multiple submitters, no conflicts (2 of 4 stars). 2 submissions from 2 submitters: Uncertain significance (2). Last evaluated 2025-08-11.

Conditions:
Holoprosencephaly 11 (HPE11). Identifiers: Orphanet 2162, MedGen C3280215, MONDO:0013642, OMIM 614226.

Allele frequency attached by ClinVar (database versions not stated): gnomAD exomes 0.00001; TOPMed 0.00001; ExAC 0.00002.
gnomAD v4.1: 14 of 1,613,958 alleles (0.00087%); highest among the groups gnomAD compares: Admixed American, 0.0017%; no homozygotes.

Submissions (2):

Labcorp Genetics (formerly Invitae), Labcorp
Classification: Uncertain significance for Holoprosencephaly 11. Last evaluated: 2025-08-11. Review status: criteria provided, single submitter. Criteria: Invitae Variant Classification Sherloc (09022015). Collection method: clinical testing. Allele origin: germline.
Comment: This sequence change replaces glycine, which is neutral and non-polar, with aspartic acid, which is acidic and polar, at codon 207 of the CDON protein (p.Gly207Asp). This variant is present in population databases (rs756395737, gnomAD 0.002%). This variant has not been reported in the literature in individuals affected with CDON-related conditions. ClinVar contains an entry for this variant (Variation ID: 1476989). An algorithm developed to predict the effect of missense changes on protein structure and function (PolyPhen-2) suggests that this variant is likely to be disruptive. In summary, the available evidence is currently insufficient to determine the role of this variant in disease. Therefore, it has been classified as a Variant of Uncertain Significance.

Fulgent Genetics
Classification: Uncertain significance for Holoprosencephaly 11. Last evaluated: 2021-07-21. Review status: criteria provided, single submitter. Criteria: ACMG Guidelines, 2015. Collection method: clinical testing. Allele origin: unknown.

NM_001378964.1(CDON):c.620G>A (p.Gly207Asp)

Gene: CDON (cell adhesion associated, oncogene regulated; minus strand). Cytogenetic location: 11q24.2.
Variant type: single nucleotide variant.
Coding change: c.620G>A on transcript NM_001378964.1 (MANE Select); coding-DNA position 620, G replaced by A.
Protein change: p.Gly207Asp; replaces glycine 207 with aspartic acid.
Molecular consequence: missense variant.
Genome position (GRCh38, 1-based): chr11:126,018,350, C>T on the plus strand (G>A on the coding strand, the complement: CDON is on the minus strand). VCF-style: chr11-126018350-C-T. GRCh37 (hg19) VCF-style: chr11-125888245-C-T.
Other names: c.620G>A, p.Gly207Asp (NM_001243597.3, NM_016952.6); short protein forms G207D.
Identifiers: ClinVar variation 1476989 (VCV001476989.9), dbSNP rs756395737, ClinGen allele CA6352295.
Genomic context (GRCh38, chr11:126,018,350, plus strand): 5'-TCTTCCTCTTCCAGTTACCATTATTCTCCCAAATACTTACGACTCACAAGGAGCTTTCGG[C>T]CAATAGGTTCAACTTTTAATTGATGTGTGACAGGATTATAAGCTGCACATTTGTATGATC-3'
Protein context (NP_001365893.1, residues 197-217): VTHQLKVEPI[Gly207Asp]RKLLVSRPSS